The following is an entry in ClinVar:

ClinVar aggregate classification (germline): Uncertain significance (1 of 4 stars; one submission).

Submission:

GeneDx
Classification: Uncertain significance. Last evaluated: 2023-05-05. Review status: criteria provided, single submitter. Criteria: GeneDx Variant Classification Process June 2021. Collection method: clinical testing. Allele origin: germline. Affected: yes.
Comment: Not observed at significant frequency in large population cohorts (gnomAD); In silico analysis supports that this missense variant has a deleterious effect on protein structure/function; Has not been previously published as pathogenic or benign to our knowledge; This variant is associated with the following publications: (PMID: 26100331, 25609763, 25512093)

NM_001376.5(DYNC1H1):c.13364T>C (p.Leu4455Pro)

Gene: DYNC1H1 (dynein cytoplasmic 1 heavy chain 1; plus strand). Cytogenetic location: 14q32.31.
Variant type: single nucleotide variant.
Coding change: c.13364T>C on transcript NM_001376.5 (MANE Select); coding-DNA position 13364, T replaced by C.
Protein change: p.Leu4455Pro; replaces leucine 4455 with proline.
Molecular consequence: missense variant.
Genome position (GRCh38, 1-based): chr14:102,048,661, T>C. VCF-style: chr14-102048661-T-C. GRCh37 (hg19) VCF-style: chr14-102514998-T-C.
Other names: short protein forms L4455P.
Identifiers: ClinVar variation 2662921 (VCV002662921.1), dbSNP rs2503884364, ClinGen allele CA391048557.